The following is an entry in ClinVar:

ClinVar aggregate classification (germline): Conflicting classifications of pathogenicity. Review status: criteria provided, conflicting classifications (1 of 4 stars). 8 submissions from 8 submitters: Likely pathogenic (1); Uncertain significance (4). 3 of the submissions do not count toward it. Last evaluated 2026-01-27.

Conditions:
Cardiovascular phenotype. Identifiers: MedGen CN230736.
Primary dilated cardiomyopathy (DCM). Also called: Dilated Cardiomyopathy. Identifiers: Orphanet 217604, MedGen C0007193, MeSH D002311, MONDO:0005021, HP:0001644. Inheritance: Various modes of inheritance.
Hypertrophic cardiomyopathy. Also called: HYPERTROPHIC MYOCARDIOPATHY. Identifiers: Orphanet 217569, MedGen C0007194, MeSH D002312, MONDO:0005045, HP:0001639.

Allele frequency attached by ClinVar (database versions not stated): gnomAD exomes below 0.00001.
gnomAD v4.1: 4 of 1,614,200 alleles (0.00025%); highest among the groups gnomAD compares: Non-Finnish European, 0.00034%; no homozygotes.

Submissions (8):

Labcorp Genetics (formerly Invitae), Labcorp
Classification: Uncertain significance for Hypertrophic cardiomyopathy. Last evaluated: 2026-01-27. Review status: criteria provided, single submitter. Criteria: Invitae Variant Classification Sherloc (09022015). Collection method: clinical testing. Allele origin: germline.
Comment: This sequence change replaces aspartic acid, which is acidic and polar, with asparagine, which is neutral and polar, at codon 955 of the MYH7 protein (p.Asp955Asn). This variant is not present in population databases (gnomAD no frequency). This missense change has been observed in individual(s) with MYH7-related conditions (PMID: 20965760, 23349452, 29447731, 36264615). ClinVar contains an entry for this variant (Variation ID: 264608). Invitae Evidence Modeling of protein sequence and biophysical properties (such as structural, functional, and spatial information, amino acid conservation, physicochemical variation, residue mobility, and thermodynamic stability) indicates that this missense variant is expected to disrupt MYH7 protein function with a positive predictive value of 95%. In summary, the available evidence is currently insufficient to determine the role of this variant in disease. Therefore, it has been classified as a Variant of Uncertain Significance.

All of Us Research Program, National Institutes of Health
Classification: Uncertain significance for Primary dilated cardiomyopathy. Last evaluated: 2024-09-25. Review status: criteria provided, single submitter. Criteria: ACMG Guidelines, 2015. Collection method: clinical testing. Allele origin: germline. Inheritance: Autosomal dominant inheritance. Observed: 1 variant allele, 1 heterozygote.
Comment: This variant has been reported in multiple individuals with dilated cardiomyopathy in cis with MYH7 c.1633G>A, p.Asp545Asn (PMID: 17947214, 20952769, 23349452, 25332820, 29517769, 1549699, 29447731, 35877578, 25332820). This variant is present in 4/1614200 total alleles in the Genome Aggregation Database. This variant has been reported to co-segregate with disease in one family (PMID: 29517769, 17947214). This variant is predicted to be deleterious by in silico analysis.

This study involves interpretation of variants in research participants for the purpose of population health screening. Participant phenotype was not available at the time of variant classification. Additional details can be found in publication PMID: 35346344, PMCID: PMC8962531

Mayo Clinic Laboratories, Mayo Clinic
Classification: Uncertain significance. Last evaluated: 2023-04-14. Review status: criteria provided, single submitter. Criteria: ACMG Guidelines, 2015. Collection method: clinical testing. Allele origin: germline. Observed: 1 variant allele.
Comment: PM2_supporting

GeneDx
Classification: Uncertain significance. Last evaluated: 2022-10-26. Review status: criteria provided, single submitter. Criteria: GeneDx Variant Classification Process June 2021. Collection method: clinical testing. Allele origin: germline. Affected: yes.
Comment: Identified in patients with cardiomyopathy in published literature; however, all probands were found to harbor other variants in MYH7 or another cardiomyopathy-associated gene (Hoedemaekers et al., 2007; vanSpaendonck-Zwarts et al., 2013; Petropoulou et al., 2017; van Waning et al., 2018); Not observed at significant frequency in large population cohorts (gnomAD); In silico analysis supports that this missense variant has a deleterious effect on protein structure/function; This variant is associated with the following publications: (PMID: 17947214, 23349452, 29447731, 28642161, 25332820, 20952769, 30650640, 20965760)

Ambry Genetics
Classification: Likely pathogenic for Cardiovascular phenotype. Last evaluated: 2022-07-15. Review status: criteria provided, single submitter. Criteria: Ambry Variant Classification Scheme 2023. Collection method: clinical testing. Allele origin: germline.
Comment: The p.D955N variant (also known as c.2863G>A), located in coding exon 21 of the MYH7 gene, results from a G to A substitution at nucleotide position 2863. The aspartic acid at codon 955 is replaced by asparagine, an amino acid with highly similar properties. This variant along with MYH7 p.D545N in cis reportedly co-segregated with disease in families with dilated cardiomyopathy (DCM) and left ventricular non-compaction (Hoedemaekers YM et al. Eur Heart J. 2007;28(22):2732-7; van den Berg MP et al. Eur J Heart Fail. 2010;12(12):1297-9). Both p.D545N and p.D955N were detected in another LVNC cohort; however, additional details were limited (Chang B. Mol Genet Metab. 2011 Feb;102(2):200-6). This alteration also segregated with the TNNT2 p.N83H variant in multiple members of a consanguineous family with DCM; individuals with either variant alone were unaffected (Petropoulou E et al. Eur J Med Genet, 2017 Sep;60:485-488). This amino acid position is highly conserved in available vertebrate species. In addition, the in silico prediction for this alteration is inconclusive. Based on the majority of available evidence to date, this variant is likely to be pathogenic when in cis with MYH7 p.D545N; however, the clinical significance of the p.D955N variant alone is unclear.

Clinical Genetics DNA and cytogenetics Diagnostics Lab, Erasmus MC, Erasmus Medical Center
Classification: Pathogenic. Review status: no assertion criteria provided. Collection method: clinical testing. Allele origin: germline. Affected: yes. Study: VKGL Data-share Consensus. Not counted in ClinVar's aggregate classification.

Clinical Genetics, Academic Medical Center
Classification: Pathogenic. Review status: no assertion criteria provided. Collection method: clinical testing. Allele origin: germline. Affected: yes. Study: VKGL Data-share Consensus. Not counted in ClinVar's aggregate classification.

Diagnostic Laboratory, Department of Genetics, University Medical Center Groningen
Classification: Pathogenic. Review status: no assertion criteria provided. Collection method: clinical testing. Allele origin: germline. Affected: yes. Study: VKGL Data-share Consensus. Not counted in ClinVar's aggregate classification.

Literature cited by the submitters: PubMed 20965760 (cited by 3 submitters); PubMed 23349452 (cited by 3 submitters); PubMed 29447731 (cited by 4 submitters); PubMed 36264615 (cited by Labcorp Genetics (formerly Invitae), Labcorp); PubMed 1549699 (cited by All of Us Research Program, National Institutes of Health); PubMed 17947214 (cited by 3 submitters); PubMed 20952769 (cited by 3 submitters); PubMed 25332820 (cited by All of Us Research Program, National Institutes of Health and Mayo Clinic Laboratories, Mayo Clinic); PubMed 29517769 (cited by All of Us Research Program, National Institutes of Health); PubMed 35877578 (cited by All of Us Research Program, National Institutes of Health); PubMed 28642161 (cited by Mayo Clinic Laboratories, Mayo Clinic and Ambry Genetics); PubMed 33448871 (cited by Mayo Clinic Laboratories, Mayo Clinic and Ambry Genetics).

NM_000257.4(MYH7):c.2863G>A (p.Asp955Asn)

Gene: MYH7 (myosin heavy chain 7; minus strand). Cytogenetic location: 14q11.2.
Variant type: single nucleotide variant.
Coding change: c.2863G>A on transcript NM_000257.4 (MANE Select); coding-DNA position 2863, G replaced by A.
Protein change: p.Asp955Asn; replaces aspartic acid 955 with asparagine.
Molecular consequence: missense variant.
Genome position (GRCh38, 1-based): chr14:23,423,966, C>T on the plus strand (G>A on the coding strand, the complement: MYH7 is on the minus strand). VCF-style: chr14-23423966-C-T. GRCh37 (hg19) VCF-style: chr14-23893175-C-T.
Other names: p.Asp955Asn; c.2863G>A (LRG_384t1); short protein forms D955N.
Identifiers: ClinVar variation 264608 (VCV000264608.22), dbSNP rs886039204, ClinGen allele CA10587773.